The following is an entry in ClinVar:

ClinVar aggregate classification (germline): Uncertain significance (1 of 4 stars; one submission).

Conditions:
RASopathy. Also called: Noonan spectrum disorder; rasopathies. Identifiers: Orphanet 536391, MedGen C5555857, MONDO:0021060.

Submission:

Labcorp Genetics (formerly Invitae), Labcorp
Classification: Uncertain significance for RASopathy. Last evaluated: 2023-12-17. Review status: criteria provided, single submitter. Criteria: Invitae Variant Classification Sherloc (09022015). Collection method: clinical testing. Allele origin: germline.
Comment: This sequence change replaces isoleucine, which is neutral and non-polar, with arginine, which is basic and polar, at codon 645 of the SOS1 protein (p.Ile645Arg). This variant is not present in population databases (gnomAD no frequency). This variant has not been reported in the literature in individuals affected with SOS1-related conditions. Advanced modeling of protein sequence and biophysical properties (such as structural, functional, and spatial information, amino acid conservation, physicochemical variation, residue mobility, and thermodynamic stability) performed at Invitae indicates that this missense variant is expected to disrupt SOS1 protein function with a positive predictive value of 95%. In summary, the available evidence is currently insufficient to determine the role of this variant in disease. Therefore, it has been classified as a Variant of Uncertain Significance.

NM_005633.4(SOS1):c.1934T>G (p.Ile645Arg)

Gene: SOS1 (SOS Ras/Rac guanine nucleotide exchange factor 1; minus strand). Cytogenetic location: 2p22.1.
Variant type: single nucleotide variant.
Coding change: c.1934T>G on transcript NM_005633.4 (MANE Select); coding-DNA position 1934, T replaced by G.
Protein change: p.Ile645Arg; replaces isoleucine 645 with arginine.
Molecular consequence: missense variant.
Genome position (GRCh38, 1-based): chr2:39,014,771, A>C on the plus strand (T>G on the coding strand, the complement: SOS1 is on the minus strand). VCF-style: chr2-39014771-A-C. GRCh37 (hg19) VCF-style: chr2-39241912-A-C.
Other names: c.1913T>G, p.Ile638Arg (NM_001382394.1); c.1934T>G, p.Ile645Arg (NM_001382395.1); short protein forms I645R, I638R.
Identifiers: ClinVar variation 2703668 (VCV002703668.3), dbSNP rs1356040248, ClinGen allele CA346365048.